The following is an entry in ClinVar:

ClinVar aggregate classification (germline): Pathogenic (1 of 4 stars; one submission).

Conditions:
Neurofibromatosis, type 1 (NF1). Also called: NEUROFIBROMATOSIS, TYPE I, SOMATIC; VON RECKLINGHAUSEN DISEASE; Peripheral type neurofibromatosis; Neurofibromatosis, type I. Identifiers: Orphanet 636, MedGen C0027831, MONDO:0018975, OMIM 162200. Disease mechanism: loss of function.

Submission:

Labcorp Genetics (formerly Invitae), Labcorp
Classification: Pathogenic for Neurofibromatosis, type 1. Last evaluated: 2025-05-07. Review status: criteria provided, single submitter. Criteria: Invitae Variant Classification Sherloc (09022015). Collection method: clinical testing. Allele origin: germline.
Comment: This sequence change creates a premature translational stop signal (p.Leu1569*) in the NF1 gene. It is expected to result in an absent or disrupted protein product. Loss-of-function variants in NF1 are known to be pathogenic (PMID: 10712197, 23913538). This variant is not present in population databases (gnomAD no frequency). This premature translational stop signal has been observed in individual(s) with neurofibromatosis type 1 (PMID: 25325900). This variant is also known as c.4769T>G (p.Leu1590*). For these reasons, this variant has been classified as Pathogenic.

Literature cited by the submitters: PubMed 10712197; PubMed 23913538; PubMed 25325900.

NM_001042492.3(NF1):c.4767del (p.Thr1589_Leu1590insTer)

Gene: NF1 (neurofibromin 1; plus strand). Cytogenetic location: 17q11.2.
Variant type: Deletion.
Coding change: c.4767del on transcript NM_001042492.3 (MANE Select); coding-DNA position 4767, one base deleted (G; older notation c.4767delG).
Protein change: p.Thr1589_Leu1590insTer.
Molecular consequence: frameshift variant.
Genome position (GRCh38, 1-based): chr17:31,265,271, G deleted. VCF-style (leftmost placement, unchanged base first): chr17-31265270-CG-C. GRCh37 (hg19) VCF-style: chr17-29592288-CG-C.
Other names: c.4704del, p.Thr1568_Leu1569insTer (NM_000267.4).
Identifiers: ClinVar variation 4719120 (VCV004719120.1).